The following is an entry in ClinVar:

ClinVar aggregate classification (germline): Uncertain significance (1 of 4 stars; one submission).

Conditions:
Cystic fibrosis (CF). Also called: MUCOVISCIDOSIS. Identifiers: Orphanet 586, MedGen C0010674, MONDO:0009061, OMIM 219700. Disease mechanism: loss of function.

gnomAD v4.1: 1 of 1,613,612 alleles (0.000062%); highest among the groups gnomAD compares: Non-Finnish European, 0.000085%; no homozygotes.

Submission:

Institute of Human Genetics, University of Leipzig Medical Center
Classification: Uncertain significance for Cystic fibrosis. Last evaluated: 2025-03-04. Review status: criteria provided, single submitter. Criteria: ACMG Guidelines, 2015. Collection method: clinical testing. Allele origin: unknown. Inheritance: Autosomal recessive inheritance. Affected: yes.
Comment: Criteria applied: PM4,PM2_SUP,PP4

NM_000492.4(CFTR):c.4443G>C (p.Ter1481Tyr)

Genes: CFTR (CF transmembrane conductance regulator; plus strand), LOC111674477 (CFTR intron 23 enhancer; plus strand). Cytogenetic location: 7q31.2.
Variant type: single nucleotide variant.
Coding change: c.4443G>C on transcript NM_000492.4 (MANE Select); coding-DNA position 4443, G replaced by C.
Protein change: p.Ter1481Tyr.
Molecular consequence: stop lost.
Genome position (GRCh38, 1-based): chr7:117,667,108, G>C. VCF-style: chr7-117667108-G-C. GRCh37 (hg19) VCF-style: chr7-117307162-G-C.
Identifiers: ClinVar variation 1706056 (VCV001706056.2), dbSNP rs1403933625, ClinGen allele CA368985464.